The following is an entry in ClinVar:

ClinVar aggregate classification (germline): Conflicting classifications of pathogenicity. Review status: criteria provided, conflicting classifications (1 of 4 stars). 7 submissions from 5 submitters: Uncertain significance (4); Benign (1); Likely benign (1). 1 of the submissions does not count toward it. Last evaluated 2025-10-18.

Conditions:
Hereditary spherocytosis type 3. Also called: Spherocytosis type 3; SPTA1-Related Spherocytosis. Identifiers: Orphanet 822, MedGen C2678338, MONDO:0010053, OMIM 270970.
Elliptocytosis 2 (EL2). Also called: ELLIPTOCYTOSIS, RHESUS-UNLINKED TYPE. Identifiers: Orphanet 288, MedGen C1851741, MONDO:0007533, OMIM 130600.
Pyropoikilocytosis, hereditary. Also called: Pyropoikilocytosis. Identifiers: MedGen C0520739, MONDO:0009948, OMIM 266140, HP:0004839. Disease mechanism: loss of function.
SPTA1-related disorder. Also called: SPTA1-related disorders; SPTA1-related condition.

Allele frequency attached by ClinVar (database versions not stated): gnomAD 0.00001 and 0.00014; TOPMed 0.00004; 1000 Genomes Project 30x 0.00078; 1000 Genomes Project 0.00100.
gnomAD v4.1: 643 of 1,613,836 alleles (0.04%); highest among the groups gnomAD compares: South Asian, 0.6%; 7 homozygotes.

Submissions (7):

Labcorp Genetics (formerly Invitae), Labcorp
Classification: Benign. Last evaluated: 2025-10-18. Review status: criteria provided, single submitter. Criteria: Invitae Variant Classification Sherloc (09022015). Collection method: clinical testing. Allele origin: germline.

Ambry Genetics
Classification: Uncertain significance. Last evaluated: 2024-05-20. Review status: criteria provided, single submitter. Criteria: Ambry Variant Classification Scheme 2023. Collection method: clinical testing. Allele origin: germline.

Mayo Clinic Laboratories, Mayo Clinic
Classification: Uncertain significance. Last evaluated: 2021-05-14. Review status: criteria provided, single submitter. Criteria: ACMG Guidelines, 2015. Collection method: clinical testing. Allele origin: germline.

Illumina Laboratory Services, Illumina
Classification: Uncertain significance for Pyropoikilocytosis, hereditary. Last evaluated: 2018-01-13. Review status: criteria provided, single submitter. Criteria: ICSL Variant Classification Criteria 13 December 2019. Collection method: clinical testing. Allele origin: germline.

Illumina Laboratory Services, Illumina
Classification: Likely benign for Elliptocytosis 2. Last evaluated: 2018-01-13. Review status: criteria provided, single submitter. Criteria: ICSL Variant Classification Criteria 13 December 2019. Collection method: clinical testing. Allele origin: germline.
Comment: This variant was observed in the ICSL laboratory as part of a predisposition screen in an ostensibly healthy population. It had not been previously curated by ICSL or reported in the Human Gene Mutation Database (HGMD: prior to June 1st, 2018), and was therefore a candidate for classification through an automated scoring system. Utilizing variant allele frequency, disease prevalence and penetrance estimates, and inheritance mode, an automated score was calculated to assess if this variant is too frequent to cause the disease. Based on the score and internal cut-off values, a variant classified as likely benign is not then subjected to further curation. The score for this variant resulted in a classification of likely benign for this disease.

Illumina Laboratory Services, Illumina
Classification: Uncertain significance for Hereditary spherocytosis type 3. Last evaluated: 2018-01-13. Review status: criteria provided, single submitter. Criteria: ICSL Variant Classification Criteria 13 December 2019. Collection method: clinical testing. Allele origin: germline.

PreventionGenetics, part of Exact Sciences
Classification: Likely benign for SPTA1-related condition. Last evaluated: 2019-07-02. Review status: no assertion criteria provided. Collection method: clinical testing. Allele origin: germline. Not counted in ClinVar's aggregate classification.
Comment: This variant is classified as likely benign based on ACMG/AMP sequence variant interpretation guidelines (Richards et al. 2015 PMID: 25741868, with internal and published modifications).

NM_003126.4(SPTA1):c.5786C>G (p.Ala1929Gly)

Gene: SPTA1 (spectrin alpha, erythrocytic 1; minus strand). Cytogenetic location: 1q23.1.
Variant type: single nucleotide variant.
Coding change: c.5786C>G on transcript NM_003126.4 (MANE Select); coding-DNA position 5786, C replaced by G.
Protein change: p.Ala1929Gly; replaces alanine 1929 with glycine.
Molecular consequence: missense variant.
Genome position (GRCh38, 1-based): chr1:158,626,886, G>C on the plus strand (C>G on the coding strand, the complement: SPTA1 is on the minus strand). VCF-style: chr1-158626886-G-C. GRCh37 (hg19) VCF-style: chr1-158596676-G-C.
Other names: p.Ala1929Gly; short protein forms A1929G.
Identifiers: ClinVar variation 292964 (VCV000292964.16), dbSNP rs199547344, ClinGen allele CA1182196.
Genomic context (GRCh38, chr1:158,626,886, plus strand): 5'-TGACACATCATACCTATCCAAGCCTCTACCACATCAGCCTTCCAGTTGAATTCCTGAAAG[G>C]CATAATCGTCTTCCAATTGCAACTTCCAAGCAGCTATTGCCTTAGCCAGAGAAGGGGTCT-3'
Protein context (NP_003117.2, residues 1919-1939): AWKLQLEDDY[Ala1929Gly]FQEFNWKADV